The following is an entry in ClinVar:

NM_001035.3(RYR2):c.7078G>A (p.Asp2360Asn)

Gene: RYR2 (ryanodine receptor 2; plus strand). Cytogenetic location: 1q43.
Variant type: single nucleotide variant.
Coding change: c.7078G>A on transcript NM_001035.3 (MANE Select); coding-DNA position 7078, G replaced by A.
Protein change: p.Asp2360Asn; replaces aspartic acid 2360 with asparagine.
Molecular consequence: missense variant.
Genome position (GRCh38, 1-based): chr1:237,639,164, G>A. VCF-style: chr1-237639164-G-A. GRCh37 (hg19) VCF-style: chr1-237802464-G-A.
Other names: short protein forms D2360N.
Identifiers: ClinVar variation 1757028 (VCV001757028.7), dbSNP rs373110998, ClinGen allele CA087274.

ClinVar aggregate classification (germline): Uncertain significance. Review status: criteria provided, multiple submitters, no conflicts (2 of 4 stars). 3 submissions from 3 submitters: Uncertain significance (3). Last evaluated 2025-05-20.

Conditions:
Catecholaminergic polymorphic ventricular tachycardia 1. Also called: VENTRICULAR TACHYCARDIA, CATECHOLAMINERGIC POLYMORPHIC, 1, WITH OR WITHOUT ATRIAL DYSFUNCTION AND/OR DILATED CARDIOMYOPATHY; VENTRICULAR TACHYCARDIA, STRESS-INDUCED POLYMORPHIC 1; RYR2-Related Catecholaminergic Polymorphic Ventricular Tachycardia. Identifiers: Orphanet 3286, MedGen C1631597, MONDO:0011484, OMIM 604772.
Cardiovascular phenotype. Identifiers: MedGen CN230736.
Cardiomyopathy (CMYO). Also called: Cardiomyopathies. Identifiers: Orphanet 167848, MedGen C0878544, MONDO:0004994, HP:0001638. Inheritance: Various modes of inheritance.

Allele frequency attached by ClinVar (database versions not stated): gnomAD exomes below 0.00001; TOPMed below 0.00001; ExAC 0.00001; gnomAD 0.00001; ESP Exome Variant Server 0.00008.
gnomAD v4.1: 7 of 1,613,686 alleles (0.00043%); highest among the groups gnomAD compares: Non-Finnish European, 0.00059%; no homozygotes.

Submissions (3):

Color Diagnostics, LLC DBA Color Health
Classification: Uncertain significance for Cardiomyopathy. Last evaluated: 2025-05-20. Review status: criteria provided, single submitter. Criteria: ACMG Guidelines, 2015. Collection method: clinical testing. Allele origin: germline.
Comment: This missense variant replaces aspartic acid with asparagine at codon 2360 of the RYR2 protein. Computational prediction is inconclusive regarding the impact of this variant on protein structure and function. To our knowledge, functional studies have not been reported for this variant. This variant has not been reported in individuals affected with RYR2-related disorders in the literature. This variant has been identified in 1/248842 chromosomes in the general population by the Genome Aggregation Database (gnomAD). The available evidence is insufficient to determine the role of this variant in disease conclusively. Therefore, this variant is classified as a Variant of Uncertain Significance.

Ambry Genetics
Classification: Uncertain significance for Cardiovascular phenotype. Last evaluated: 2024-08-20. Review status: criteria provided, single submitter. Criteria: Ambry Variant Classification Scheme 2023. Collection method: clinical testing. Allele origin: germline.
Comment: The p.D2360N variant (also known as c.7078G>A), located in coding exon 46 of the RYR2 gene, results from a G to A substitution at nucleotide position 7078. The aspartic acid at codon 2360 is replaced by asparagine, an amino acid with highly similar properties. This amino acid position is highly conserved in available vertebrate species. In addition, the in silico prediction for this alteration is inconclusive. Based on the available evidence, the clinical significance of this variant remains unclear.

Labcorp Genetics (formerly Invitae), Labcorp
Classification: Uncertain significance for Catecholaminergic polymorphic ventricular tachycardia 1. Last evaluated: 2023-10-23. Review status: criteria provided, single submitter. Criteria: Invitae Variant Classification Sherloc (09022015). Collection method: clinical testing. Allele origin: germline.
Comment: This sequence change replaces aspartic acid, which is acidic and polar, with asparagine, which is neutral and polar, at codon 2360 of the RYR2 protein (p.Asp2360Asn). This variant is present in population databases (rs373110998, gnomAD 0.0009%). This variant has not been reported in the literature in individuals affected with RYR2-related conditions. ClinVar contains an entry for this variant (Variation ID: 1757028). Advanced modeling of protein sequence and biophysical properties (such as structural, functional, and spatial information, amino acid conservation, physicochemical variation, residue mobility, and thermodynamic stability) performed at Invitae indicates that this missense variant is expected to disrupt RYR2 protein function. In summary, the available evidence is currently insufficient to determine the role of this variant in disease. Therefore, it has been classified as a Variant of Uncertain Significance.